The following is an entry in ClinVar:

NM_001903.5(CTNNA1):c.1136G>A (p.Arg379His)

Gene: CTNNA1 (catenin alpha 1; plus strand). Cytogenetic location: 5q31.2.
Variant type: single nucleotide variant.
Coding change: c.1136G>A on transcript NM_001903.5 (MANE Select); coding-DNA position 1136, G replaced by A.
Protein change: p.Arg379His; replaces arginine 379 with histidine.
Molecular consequence: missense variant. On other transcripts: 5 prime UTR variant (5), intron variant (2).
Genome position (GRCh38, 1-based): chr5:138,886,285, G>A. VCF-style: chr5-138886285-G-A. GRCh37 (hg19) VCF-style: chr5-138221974-G-A.
Other names: c.1136G>A, p.Arg379His (NM_001290307.3, NM_001323982.2, NM_001323983.1 and 3 more transcripts); c.827G>A, p.Arg276His (NM_001290309.3); c.767G>A, p.Arg256His (NM_001290310.3); c.26G>A, p.Arg9His (NM_001290312.1, NM_001323987.1, NM_001323988.1 and 18 more transcripts); c.-372G>A (NM_001324006.1, NM_001324007.1, NM_001324008.1 and 1 more transcripts); c.-247G>A (NM_001324013.1); c.-58+10688G>A (NM_001324012.1); c.-61+10688G>A (NM_001324010.1); short protein forms R276H, R256H, R379H, R9H.
Identifiers: ClinVar variation 642747 (VCV000642747.14), dbSNP rs760356703, ClinGen allele CA3431863.

ClinVar aggregate classification (germline): Conflicting classifications of pathogenicity. Review status: criteria provided, conflicting classifications (1 of 4 stars). 3 submissions from 3 submitters: Uncertain significance (2); Likely benign (1). Last evaluated 2026-01-21.

Conditions:
Hereditary cancer-predisposing syndrome. Also called: Tumor predisposition; Neoplastic Syndromes, Hereditary; Hereditary Cancer Syndrome; Hereditary neoplastic syndrome. Identifiers: Orphanet 140162, MedGen C0027672, MeSH D009386, MONDO:0015356.

Allele frequency attached by ClinVar (database versions not stated): ExAC 0.00001; gnomAD 0.00001; gnomAD exomes 0.00001 and 0.00002; TOPMed below 0.00001.
gnomAD v4.1: 14 of 1,601,850 alleles (0.00087%); highest among the groups gnomAD compares: East Asian, 0.0067%; no homozygotes.

Submissions (3):

Labcorp Genetics (formerly Invitae), Labcorp
Classification: Uncertain significance. Last evaluated: 2026-01-21. Review status: criteria provided, single submitter. Criteria: Invitae Variant Classification Sherloc (09022015). Collection method: clinical testing. Allele origin: germline.
Comment: This sequence change replaces arginine, which is basic and polar, with histidine, which is basic and polar, at codon 379 of the CTNNA1 protein (p.Arg379His). This variant is present in population databases (rs760356703, gnomAD 0.02%). This variant has not been reported in the literature in individuals affected with CTNNA1-related conditions. ClinVar contains an entry for this variant (Variation ID: 642747). Invitae Evidence Modeling of protein sequence and biophysical properties (such as structural, functional, and spatial information, amino acid conservation, physicochemical variation, residue mobility, and thermodynamic stability) indicates that this missense variant is expected to disrupt CTNNA1 protein function with a positive predictive value of 80%. In summary, the available evidence is currently insufficient to determine the role of this variant in disease. Therefore, it has been classified as a Variant of Uncertain Significance.

Ambry Genetics
Classification: Likely benign for Hereditary cancer-predisposing syndrome. Last evaluated: 2023-02-27. Review status: criteria provided, single submitter. Criteria: Ambry Variant Classification Scheme 2023. Collection method: clinical testing. Allele origin: germline.

Blueprint Genetics
Classification: Uncertain significance. Last evaluated: 2019-08-01. Review status: criteria provided, single submitter. Criteria: ACMG Guidelines, 2015. Collection method: clinical testing. Allele origin: germline.